The following is an entry in ClinVar:

ClinVar aggregate classification (germline): Pathogenic (1 of 4 stars; one submission).

Conditions:
Familial intrahepatic cholestasis. Identifiers: Orphanet 284385, MedGen CN296401, MONDO:0017290.

Submission:

Genomenon, Inc
Classification: Pathogenic for Familial intrahepatic cholestasis. Last evaluated: 2026-04-14. Review status: criteria provided, single submitter. Criteria: Genomenon Sequence Variant Interpretation Standards - Updated. Collection method: curation. Allele origin: germline. Affected: yes.
Comment: ATP8B1 p.Lys672AsnfsTer27 (c.2016del) is a frameshift variant that results in the production of a truncated protein which is predicted to undergo nonsense-mediated mRNA decay. This variant has been observed in at least one proband with features of ATP8B1-deficiency (PMID:15239083). It is absent or not present at a significant frequency in gnomAD. In conclusion, we classify ATP8B1 p.Lys672AsnfsTer27 (c.2016del) as a pathogenic variant.

Literature cited by the submitters: PubMed 15239083.

NM_001374385.1(ATP8B1):c.2016del (p.Lys672fs)

Gene: ATP8B1 (ATPase phospholipid transporting 8B1; minus strand). Cytogenetic location: 18q21.31.
Variant type: Deletion.
Coding change: c.2016del on transcript NM_001374385.1 (MANE Select); coding-DNA position 2016, one base deleted (G; older notation c.2016delG).
Protein change: p.Lys672fs; shifts the reading frame from lysine 672.
Molecular consequence: frameshift variant.
Genome position (GRCh38, 1-based): chr18:57,669,399, C deleted on the plus strand (G on the coding strand, the reverse complement: ATP8B1 is on the minus strand). VCF-style (leftmost placement, unchanged base first): chr18-57669398-AC-A. GRCh37 (hg19) VCF-style: chr18-55336630-AC-A.
Other names: c.1866del, p.Lys622fs (NM_001374386.1); c.2016del, p.Lys672fs (NM_005603.6); short protein forms K622fs, K672fs.
Identifiers: ClinVar variation 4846240 (VCV004846240.1).